The following is an entry in ClinVar:

NM_014956.5(CEP164):c.4371G>A (p.Val1457=)

Gene: CEP164 (centrosomal protein 164; plus strand). Cytogenetic location: 11q23.3.
Variant type: single nucleotide variant.
Coding change: c.4371G>A on transcript NM_014956.5 (MANE Select); coding-DNA position 4371, G replaced by A.
Protein change: p.Val1457=; no amino-acid change (valine 1457 retained).
Molecular consequence: synonymous variant.
Genome position (GRCh38, 1-based): chr11:117,412,156, G>A. VCF-style: chr11-117412156-G-A. GRCh37 (hg19) VCF-style: chr11-117282872-G-A.
Other names: c.4371G>A (NM_014956.4); c.4356G>A, p.Val1452= (NM_001271933.2).
Identifiers: ClinVar variation 1598539 (VCV001598539.11), dbSNP rs781453124, ClinGen allele CA6295807.

ClinVar aggregate classification (germline): Conflicting classifications of pathogenicity. Review status: criteria provided, conflicting classifications (1 of 4 stars). 4 submissions from 4 submitters: Uncertain significance (2); Likely benign (2). Last evaluated 2025-08-08.

Conditions:
Nephronophthisis 15 (NPHP15). Identifiers: Orphanet 3156, MedGen C3541853, MONDO:0013917, OMIM 614845.

Allele frequency attached by ClinVar (database versions not stated): gnomAD exomes 0.00001 and 0.00002; ExAC 0.00004; gnomAD 0.00008 and 0.00009; TOPMed 0.00011.
gnomAD v4.1: 20 of 1,613,984 alleles (0.0012%); highest among the groups gnomAD compares: African/African-American, 0.024%; no homozygotes.

Submissions (4):

GeneDx
Classification: Uncertain significance. Last evaluated: 2025-08-08. Review status: criteria provided, single submitter. Criteria: GeneDx Variant Classification Process June 2021. Collection method: clinical testing. Allele origin: germline. Affected: yes.
Comment: Has not been previously published as pathogenic or benign to our knowledge; In silico analysis suggests this variant may impact gene splicing. In the absence of RNA/functional studies, the actual effect of this sequence change is unknown.

Labcorp Genetics (formerly Invitae), Labcorp
Classification: Likely benign for Nephronophthisis 15. Last evaluated: 2025-03-26. Review status: criteria provided, single submitter. Criteria: Invitae Variant Classification Sherloc (09022015). Collection method: clinical testing. Allele origin: germline.

Fulgent Genetics
Classification: Likely benign for Nephronophthisis 15. Last evaluated: 2024-02-20. Review status: criteria provided, single submitter. Criteria: ACMG Guidelines, 2015. Collection method: clinical testing. Allele origin: germline.

Blueprint Genetics
Classification: Uncertain significance. Last evaluated: 2019-10-07. Review status: criteria provided, single submitter. Criteria: ACMG Guidelines, 2015. Collection method: clinical testing. Allele origin: germline.